The following is an entry in ClinVar:

NM_194279.4(ISCA2):c.300A>G (p.Glu100=)

Gene: ISCA2 (iron-sulfur cluster assembly 2; plus strand). Cytogenetic location: 14q24.3.
Variant type: single nucleotide variant.
Coding change: c.300A>G on transcript NM_194279.4 (MANE Select); coding-DNA position 300, A replaced by G.
Protein change: p.Glu100=; no amino-acid change (glutamic acid 100 retained).
Molecular consequence: synonymous variant. On other transcripts: 3 prime UTR variant (1).
Genome position (GRCh38, 1-based): chr14:74,494,835, A>G. VCF-style: chr14-74494835-A-G. GRCh37 (hg19) VCF-style: chr14-74961538-A-G.
Other names: c.*1A>G (NM_001272007.2).
Identifiers: ClinVar variation 514788 (VCV000514788.1), dbSNP rs1555346558, ClinGen allele CA487154769.

ClinVar aggregate classification (germline): Likely benign (1 of 4 stars; one submission).

Submission:

GeneDx
Classification: Likely benign. Last evaluated: 2018-02-06. Review status: criteria provided, single submitter. Criteria: GeneDx Variant Classification (06012015). Collection method: clinical testing. Allele origin: germline. Affected: yes.
Comment: This variant is considered likely benign or benign based on one or more of the following criteria: it is a conservative change, it occurs at a poorly conserved position in the protein, it is predicted to be benign by multiple in silico algorithms, and/or has population frequency not consistent with disease.